The following is an entry in ClinVar:

ClinVar aggregate classification (germline): Uncertain significance (1 of 4 stars; one submission).

Conditions:
Hereditary cancer-predisposing syndrome. Also called: Hereditary neoplastic syndrome; Neoplastic Syndromes, Hereditary; Tumor predisposition; Hereditary Cancer Syndrome. Identifiers: Orphanet 140162, MedGen C0027672, MeSH D009386, MONDO:0015356.

Submission:

Ambry Genetics
Classification: Uncertain significance for Hereditary cancer-predisposing syndrome. Last evaluated: 2025-08-27. Review status: criteria provided, single submitter. Criteria: Ambry Variant Classification Scheme 2023. Collection method: clinical testing. Allele origin: germline.
Comment: The p.Q210H variant (also known as c.630G>C), located in coding exon 8 of the MUTYH gene, results from a G to C substitution at nucleotide position 630. The glutamine at codon 210 is replaced by histidine, an amino acid with highly similar properties. This amino acid position is conserved. In addition, the in silico prediction for this alteration is inconclusive. Based on the available evidence, the clinical significance of this variant remains unclear.

NM_001048174.2(MUTYH):c.546G>C (p.Gln182His)

Gene: MUTYH (mutY DNA glycosylase; minus strand). Cytogenetic location: 1p34.1.
Variant type: single nucleotide variant.
Coding change: c.546G>C on transcript NM_001048174.2 (MANE Select); coding-DNA position 546, G replaced by C.
Protein change: p.Gln182His; replaces glutamine 182 with histidine.
Molecular consequence: missense variant. On other transcripts: non-coding transcript variant (7).
Genome position (GRCh38, 1-based): chr1:45,332,634, C>G on the plus strand (G>C on the coding strand, the complement: MUTYH is on the minus strand). VCF-style: chr1-45332634-C-G. GRCh37 (hg19) VCF-style: chr1-45798306-C-G.
Other names: c.588G>C, p.Gln196His (NM_001407083.1, NM_001407085.1); c.549G>C, p.Gln183His (NM_001407086.1, NM_001048172.2, NM_001407071.1 and 1 more transcripts); c.567G>C, p.Gln189His (NM_001407087.1); c.546G>C, p.Gln182His (NM_001407088.1, NM_001407089.1, NM_001048171.2 and 6 more transcripts); c.270G>C, p.Gln90His (NM_001407091.1, NM_001293192.2, NM_001293196.2); c.621G>C, p.Gln207His (NM_012222.3); c.630G>C, p.Gln210His (NM_001128425.2); c.591G>C, p.Gln197His (NM_001293190.2); and 5 more; short protein forms Q193H, Q196H, Q210H, Q168H, Q182H, Q183H, Q67H, Q90H.
Identifiers: ClinVar variation 4113778 (VCV004113778.1).